The following is an entry in ClinVar:

NM_003742.4(ABCB11):c.1698G>T (p.Arg566Ser)

Gene: ABCB11 (ATP binding cassette subfamily B member 11; minus strand). Cytogenetic location: 2q31.1.
Variant type: single nucleotide variant.
Coding change: c.1698G>T on transcript NM_003742.4 (MANE Select); coding-DNA position 1698, G replaced by T.
Protein change: p.Arg566Ser; replaces arginine 566 with serine.
Molecular consequence: missense variant.
Genome position (GRCh38, 1-based): chr2:168,970,156, C>A on the plus strand (G>T on the coding strand, the complement: ABCB11 is on the minus strand). VCF-style: chr2-168970156-C-A. GRCh37 (hg19) VCF-style: chr2-169826666-C-A.
Other names: short protein forms R566S.
Identifiers: ClinVar variation 4846159 (VCV004846159.1).

ClinVar aggregate classification (germline): Uncertain significance (1 of 4 stars; one submission).

Conditions:
Familial intrahepatic cholestasis. Identifiers: Orphanet 284385, MedGen CN296401, MONDO:0017290.

gnomAD v4.1: 1 of 1,612,860 alleles (0.000062%); highest among the groups gnomAD compares: Admixed American, 0.0017%; no homozygotes.

Submission:

Genomenon, Inc
Classification: Uncertain significance for Familial intrahepatic cholestasis. Last evaluated: 2026-04-14. Review status: criteria provided, single submitter. Criteria: Genomenon Sequence Variant Interpretation Standards - Updated. Collection method: curation. Allele origin: germline. Affected: yes.
Comment: ABCB11 p.Arg566Ser (c.1698G>T) is a missense variant that changes the amino acid at residue 566 from Arginine to Serine. This variant has been observed in at least one proband with an ABCB11-related disorder (PMID:35780807). It is absent or not present at a significant frequency in gnomAD. In silico models predict that this variant is possibly or probably damaging. In conclusion, we classify ABCB11 p.Arg566Ser (c.1698G>T) as a variant of uncertain significance.

Literature cited by the submitters: PubMed 35780807.